The following is an entry in ClinVar:

NM_014491.4(FOXP2):c.516A>G (p.Gln172=)

Gene: FOXP2 (forkhead box P2; plus strand). Cytogenetic location: 7q31.1.
Variant type: single nucleotide variant.
Coding change: c.516A>G on transcript NM_014491.4 (MANE Select); coding-DNA position 516, A replaced by G.
Protein change: p.Gln172=; no amino-acid change (glutamine 172 retained).
Molecular consequence: synonymous variant. On other transcripts: non-coding transcript variant (2).
Genome position (GRCh38, 1-based): chr7:114,629,924, A>G. VCF-style: chr7-114629924-A-G. GRCh37 (hg19) VCF-style: chr7-114269979-A-G.
Other names: c.516A>G, p.Gln172= (NM_001172766.3, NM_148899.3); c.591A>G, p.Gln197= (NM_001172767.2, NM_148898.4); c.567A>G, p.Gln189= (NM_148900.4).
Identifiers: ClinVar variation 3905142 (VCV003905142.10).

ClinVar aggregate classification (germline): Likely benign (1 of 4 stars; one submission).

gnomAD v4.1: 4 of 1,604,190 alleles (0.00025%); highest among the groups gnomAD compares: Non-Finnish European, 0.00034%; no homozygotes.

Submission:

CeGaT Center for Human Genetics Tuebingen
Classification: Likely benign. Last evaluated: 2025-05-01. Review status: criteria provided, single submitter. Criteria: CeGaT Center For Human Genetics Tuebingen Variant Classification Criteria Version 2. Collection method: clinical testing. Allele origin: germline. Affected: yes. Observed: 1 variant allele.
Comment: FOXP2: BP4, BP7